The following is an entry in ClinVar:

ClinVar aggregate classification (germline): Likely benign. Review status: criteria provided, multiple submitters, no conflicts (2 of 4 stars). 2 submissions from 2 submitters: Likely benign (2). Last evaluated 2018-06-14.

Allele frequency attached by ClinVar (database versions not stated): gnomAD exomes 0.00665; gnomAD 0.01688 and 0.01712; TOPMed 0.01881; 1000 Genomes Project 30x 0.02748; 1000 Genomes Project 0.02776.
gnomAD v4.1: 7,896 of 941,886 alleles (0.84%); highest among the groups gnomAD compares: East Asian, 8.2%; 227 homozygotes.

Submissions (2):

GeneDx
Classification: Likely benign. Last evaluated: 2018-06-14. Review status: criteria provided, single submitter. Criteria: GeneDx Variant Classification (06012015). Collection method: clinical testing. Allele origin: germline. Affected: yes.
Comment: This variant is considered likely benign or benign based on one or more of the following criteria: it is a conservative change, it occurs at a poorly conserved position in the protein, it is predicted to be benign by multiple in silico algorithms, and/or has population frequency not consistent with disease.

Breakthrough Genomics
Classification: Likely benign. Review status: criteria provided, single submitter. Criteria: ACMG Guidelines, 2015. Collection method: not provided. Allele origin: germline. Inheritance: Autosomal dominant inheritance. Affected: yes.

NM_001105206.3(LAMA4):c.2056+70G>A

Gene: LAMA4 (laminin subunit alpha 4; minus strand). Cytogenetic location: 6q21.
Variant type: single nucleotide variant.
Coding change: c.2056+70G>A on transcript NM_001105206.3 (MANE Select); 70 bases into the intron after coding-DNA position 2056, G replaced by A.
Molecular consequence: intron variant.
Genome position (GRCh38, 1-based): chr6:112,154,781, C>T on the plus strand (G>A on the coding strand, the complement: LAMA4 is on the minus strand). VCF-style: chr6-112154781-C-T. GRCh37 (hg19) VCF-style: chr6-112475983-C-T.
Other names: c.2035+70G>A (NM_002290.5, NM_001105207.3).
Identifiers: ClinVar variation 675747 (VCV000675747.2), dbSNP rs2277086, ClinGen allele CA144870076.